The following is an entry in ClinVar:

ClinVar aggregate classification (germline): Uncertain significance (1 of 4 stars; one submission).

Conditions:
Cardiovascular phenotype. Identifiers: MedGen CN230736.

Submission:

Ambry Genetics
Classification: Uncertain significance for Cardiovascular phenotype. Last evaluated: 2024-07-29. Review status: criteria provided, single submitter. Criteria: Ambry Variant Classification Scheme 2023. Collection method: clinical testing. Allele origin: germline.
Comment: The p.H667Y variant (also known as c.1999C>T), located in coding exon 10 of the MYPN gene, results from a C to T substitution at nucleotide position 1999. The histidine at codon 667 is replaced by tyrosine, an amino acid with similar properties. This amino acid position is conserved. In addition, the in silico prediction for this alteration is inconclusive. Based on the available evidence, the clinical significance of this variant remains unclear.

NM_032578.4(MYPN):c.1999C>T (p.His667Tyr)

Gene: MYPN (myopalladin; plus strand). Cytogenetic location: 10q21.3.
Variant type: single nucleotide variant.
Coding change: c.1999C>T on transcript NM_032578.4 (MANE Select); coding-DNA position 1999, C replaced by T.
Protein change: p.His667Tyr; replaces histidine 667 with tyrosine.
Molecular consequence: missense variant. On other transcripts: non-coding transcript variant (2).
Genome position (GRCh38, 1-based): chr10:68,174,091, C>T. VCF-style: chr10-68174091-C-T. GRCh37 (hg19) VCF-style: chr10-69933848-C-T.
Other names: c.1999C>T, p.His667Tyr (NM_001256267.2); c.1117C>T, p.His373Tyr (NM_001256268.2); short protein forms H373Y, H667Y.
Identifiers: ClinVar variation 3402025 (VCV003402025.1).